The following is an entry in ClinVar:

NM_198578.4(LRRK2):c.3236C>T (p.Thr1079Ile)

Gene: LRRK2 (leucine rich repeat kinase 2; plus strand). Cytogenetic location: 12q12.
Variant type: single nucleotide variant.
Coding change: c.3236C>T on transcript NM_198578.4 (MANE Select); coding-DNA position 3236, C replaced by T.
Protein change: p.Thr1079Ile; replaces threonine 1079 with isoleucine.
Molecular consequence: missense variant.
Genome position (GRCh38, 1-based): chr12:40,298,382, C>T. VCF-style: chr12-40298382-C-T. GRCh37 (hg19) VCF-style: chr12-40692184-C-T.
Other names: short protein forms T1079I.
Identifiers: ClinVar variation 3229601 (VCV003229601.1), dbSNP rs2499746147, ClinGen allele CA384414743.

ClinVar aggregate classification (germline): Uncertain significance (1 of 4 stars; one submission).

Conditions:
Inborn genetic diseases. Identifiers: MedGen C0950123, MeSH D030342.

Submission:

Ambry Genetics
Classification: Uncertain significance for Inborn genetic diseases. Last evaluated: 2023-09-24. Review status: criteria provided, single submitter. Criteria: Ambry Variant Classification Scheme 2023. Collection method: clinical testing. Allele origin: germline.
Comment: The p.T1079I variant (also known as c.3236C>T), located in coding exon 24 of the LRRK2 gene, results from a C to T substitution at nucleotide position 3236. The threonine at codon 1079 is replaced by isoleucine, an amino acid with similar properties. This amino acid position is conserved. In addition, this alteration is predicted to be tolerated by in silico analysis. Since supporting evidence is limited at this time, the clinical significance of this alteration remains unclear.